The following is an entry in ClinVar:

ClinVar aggregate classification (germline): Uncertain significance. Review status: criteria provided, multiple submitters, no conflicts (2 of 4 stars). 2 submissions from 2 submitters: Uncertain significance (2). Last evaluated 2025-10-30.

Allele frequency attached by ClinVar (database versions not stated): gnomAD exomes 0.00005; gnomAD 0.00008; 1000 Genomes Project 0.00020; ExAC 0.00005; 1000 Genomes Project 30x 0.00031; TOPMed 0.00017.
gnomAD v4.1: 86 of 1,613,792 alleles (0.0053%); highest among the groups gnomAD compares: African/African-American, 0.017%; no homozygotes.

Submissions (2):

Labcorp Genetics (formerly Invitae), Labcorp
Classification: Uncertain significance. Last evaluated: 2025-10-30. Review status: criteria provided, single submitter. Criteria: Invitae Variant Classification Sherloc (09022015). Collection method: clinical testing. Allele origin: germline.
Comment: This sequence change replaces valine, which is neutral and non-polar, with methionine, which is neutral and non-polar, at codon 307 of the TRIP13 protein (p.Val307Met). This variant is present in population databases (rs201234602, gnomAD 0.02%). This variant has not been reported in the literature in individuals affected with TRIP13-related conditions. ClinVar contains an entry for this variant (Variation ID: 3182934). An algorithm developed to predict the effect of missense changes on protein structure and function outputs the following: PolyPhen-2: "Benign". The methionine amino acid residue is found in multiple mammalian species, which suggests that this missense change does not adversely affect protein function. In summary, the available evidence is currently insufficient to determine the role of this variant in disease. Therefore, it has been classified as a Variant of Uncertain Significance.

Ambry Genetics
Classification: Uncertain significance. Last evaluated: 2024-02-05. Review status: criteria provided, single submitter. Criteria: Ambry Variant Classification Scheme 2023. Collection method: clinical testing. Allele origin: germline.

NM_004237.4(TRIP13):c.919G>A (p.Val307Met)

Gene: TRIP13 (thyroid hormone receptor interactor 13; plus strand). Cytogenetic location: 5p15.33.
Variant type: single nucleotide variant.
Coding change: c.919G>A on transcript NM_004237.4 (MANE Select); coding-DNA position 919, G replaced by A.
Protein change: p.Val307Met; replaces valine 307 with methionine.
Molecular consequence: missense variant.
Genome position (GRCh38, 1-based): chr5:911,895, G>A. VCF-style: chr5-911895-G-A. GRCh37 (hg19) VCF-style: chr5-912010-G-A.
Other names: short protein forms V307M.
Identifiers: ClinVar variation 3182934 (VCV003182934.3), dbSNP rs201234602, ClinGen allele CA3180031.